The following is an entry in ClinVar:

ClinVar aggregate classification (germline): Uncertain significance (1 of 4 stars; one submission).

Conditions:
LAMA2-related muscular dystrophy (LAMA2-RD). Also called: Laminin alpha 2-related dystrophy. Identifiers: MedGen C5679788, MONDO:0100228.

Submission:

Labcorp Genetics (formerly Invitae), Labcorp
Classification: Uncertain significance for LAMA2-related muscular dystrophy. Last evaluated: 2021-08-14. Review status: criteria provided, single submitter. Criteria: Invitae Variant Classification Sherloc (09022015). Collection method: clinical testing. Allele origin: germline.
Comment: This sequence change replaces alanine with serine at codon 1956 of the LAMA2 protein (p.Ala1956Ser). The alanine residue is weakly conserved and there is a moderate physicochemical difference between alanine and serine. This variant is not present in population databases (ExAC no frequency). This variant has not been reported in the literature in individuals affected with LAMA2-related conditions. Algorithms developed to predict the effect of missense changes on protein structure and function (SIFT, PolyPhen-2, Align-GVGD) all suggest that this variant is likely to be tolerated. In summary, the available evidence is currently insufficient to determine the role of this variant in disease. Therefore, it has been classified as a Variant of Uncertain Significance.

NM_000426.4(LAMA2):c.5866G>T (p.Ala1956Ser)

Gene: LAMA2 (laminin subunit alpha 2; plus strand). Cytogenetic location: 6q22.33.
Variant type: single nucleotide variant.
Coding change: c.5866G>T on transcript NM_000426.4 (MANE Select); coding-DNA position 5866, G replaced by T.
Protein change: p.Ala1956Ser; replaces alanine 1956 with serine.
Molecular consequence: missense variant.
Genome position (GRCh38, 1-based): chr6:129,427,752, G>T. VCF-style: chr6-129427752-G-T. GRCh37 (hg19) VCF-style: chr6-129748897-G-T.
Other names: c.5866G>T, p.Ala1956Ser (NM_001079823.2); short protein forms A1956S.
Identifiers: ClinVar variation 1367002 (VCV001367002.5), dbSNP rs2114740663, ClinGen allele CA365623867.